The following is an entry in ClinVar:

ClinVar aggregate classification (germline): Conflicting classifications of pathogenicity. Review status: criteria provided, conflicting classifications (1 of 4 stars). 4 submissions from 3 submitters: Uncertain significance (2); Benign (1); Likely benign (1). Last evaluated 2026-01-12.

Conditions:
Hereditary leiomyomatosis and renal cell cancer. Also called: MULTIPLE CUTANEOUS AND UTERINE LEIOMYOMATA 1, WITH OR WITHOUT RENAL CELL CARCINOMA; Familial leiomyomatosis; LEIOMYOMA, MULTIPLE CUTANEOUS; FH tumor predisposition syndrome; Multiple cutaneous leiomyomas; Reed syndrome. Identifiers: Orphanet 523, MedGen C1708350, MONDO:0007888, OMIM 150800, HP:0007437. Disease mechanism: loss of function.
Fumarase deficiency (FMRD). Also called: Fumaric aciduria; Fumarate Hydratase Deficiency. Identifiers: Orphanet 24, MedGen C0342770, MONDO:0011730, OMIM 606812.

Allele frequency attached by ClinVar (database versions not stated): TOPMed below 0.00001; gnomAD 0.00001; gnomAD exomes 0.00001 and below 0.00001.
gnomAD v4.1: 3 of 1,613,822 alleles (0.00019%); highest among the groups gnomAD compares: East Asian, 0.0045%; no homozygotes.

Submissions (4):

Labcorp Genetics (formerly Invitae), Labcorp
Classification: Likely benign. Last evaluated: 2026-01-12. Review status: criteria provided, single submitter. Criteria: Invitae Variant Classification Sherloc (09022015). Collection method: clinical testing. Allele origin: germline.

Myriad Genetics, Inc.
Classification: Benign for Hereditary leiomyomatosis and renal cell cancer. Last evaluated: 2024-09-11. Review status: criteria provided, single submitter. Criteria: Myriad Autosomal Dominant, Autosomal Recessive and X-Linked Classification Criteria (2023). Collection method: clinical testing. Allele origin: unknown.
Comment: This variant is considered benign. This variant is intronic and is not expected to impact mRNA splicing. This variant has been observed at a population frequency that is significantly greater than expected given the associated disease prevalence and penetrance.

Illumina Laboratory Services, Illumina
Classification: Uncertain significance for Fumarase deficiency. Last evaluated: 2018-01-13. Review status: criteria provided, single submitter. Criteria: ICSL Variant Classification Criteria 13 December 2019. Collection method: clinical testing. Allele origin: germline.

Illumina Laboratory Services, Illumina
Classification: Uncertain significance for Hereditary leiomyomatosis and renal cell cancer. Last evaluated: 2018-01-13. Review status: criteria provided, single submitter. Criteria: ICSL Variant Classification Criteria 13 December 2019. Collection method: clinical testing. Allele origin: germline.

NM_000143.4(FH):c.1109-7C>T

Gene: FH (fumarate hydratase; minus strand). Cytogenetic location: 1q43.
Variant type: single nucleotide variant.
Coding change: c.1109-7C>T on transcript NM_000143.4 (MANE Select); 7 bases into the intron before coding-DNA position 1109, C replaced by T.
Molecular consequence: intron variant.
Genome position (GRCh38, 1-based): chr1:241,502,577, G>A on the plus strand (C>T on the coding strand, the complement: FH is on the minus strand). VCF-style: chr1-241502577-G-A. GRCh37 (hg19) VCF-style: chr1-241665877-G-A.
Identifiers: ClinVar variation 413613 (VCV000413613.18), dbSNP rs1060504079, ClinGen allele CA16610073.
Genomic context (GRCh38, chr1:241,502,577, plus strand): 5'-TGACTTGGGCTGCAACCATGGTCATTGCTTCACACTGAGTAGGGTTCACCTTGCCTTCAA[G>A]AAAACCACCAATGACAGAGTAAAGACTAAATTTATGCAAATAATCAGGAGAATAAAGAAA-3'